The following is an entry in ClinVar:

NM_000334.4(SCN4A):c.310C>T (p.Arg104Cys)

Gene: SCN4A (sodium voltage-gated channel alpha subunit 4; minus strand). Cytogenetic location: 17q23.3.
Variant type: single nucleotide variant.
Coding change: c.310C>T on transcript NM_000334.4 (MANE Select); coding-DNA position 310, C replaced by T.
Protein change: p.Arg104Cys; replaces arginine 104 with cysteine.
Molecular consequence: missense variant.
Genome position (GRCh38, 1-based): chr17:63,972,434, G>A on the plus strand (C>T on the coding strand, the complement: SCN4A is on the minus strand). VCF-style: chr17-63972434-G-A. GRCh37 (hg19) VCF-style: chr17-62049794-G-A.
Other names: short protein forms R104C.
Identifiers: ClinVar variation 3666805 (VCV003666805.2).
Genomic context (GRCh38, chr17:63,972,434, plus strand): 5'-CCCCGCGCCTGACTACGCTGAAGGGGCTCAGCAGGTAGAGAGCAGGTGTGGCGGAGAAGC[G>A]GAAGATGGCCTTGCCCTTGTTGAGTACGATGAAGGTCTAAGGTGGGAGAGAGGCTGTGAG-3'
Protein context (NP_000325.4, residues 94-114): IVLNKGKAIF[Arg104Cys]FSATPALYLL

ClinVar aggregate classification (germline): Uncertain significance (1 of 4 stars; one submission).

Conditions:
Hyperkalemic periodic paralysis. Also called: Familial hyperkalemic periodic paralysis; Gamstorp disease. Identifiers: Orphanet 682, MedGen C0238357, MONDO:0008224, OMIM 170500, HP:0007215.

gnomAD v4.1: 8 of 1,613,972 alleles (0.0005%); highest among the groups gnomAD compares: East Asian, 0.0022%; no homozygotes.

Submission:

Labcorp Genetics (formerly Invitae), Labcorp
Classification: Uncertain significance for Hyperkalemic periodic paralysis. Last evaluated: 2024-12-16. Review status: criteria provided, single submitter. Criteria: Invitae Variant Classification Sherloc (09022015). Collection method: clinical testing. Allele origin: germline.
Comment: This sequence change replaces arginine, which is basic and polar, with cysteine, which is neutral and slightly polar, at codon 104 of the SCN4A protein (p.Arg104Cys). This variant is present in population databases (rs755045363, gnomAD 0.006%). This variant has not been reported in the literature in individuals affected with SCN4A-related conditions. Invitae Evidence Modeling of protein sequence and biophysical properties (such as structural, functional, and spatial information, amino acid conservation, physicochemical variation, residue mobility, and thermodynamic stability) indicates that this missense variant is expected to disrupt SCN4A protein function with a positive predictive value of 95%. In summary, the available evidence is currently insufficient to determine the role of this variant in disease. Therefore, it has been classified as a Variant of Uncertain Significance.